The following is an entry in ClinVar:

NM_015570.4(AUTS2):c.3388C>T (p.His1130Tyr)

Gene: AUTS2 (activator of transcription and developmental regulator AUTS2; plus strand). Cytogenetic location: 7q11.22.
Variant type: single nucleotide variant.
Coding change: c.3388C>T on transcript NM_015570.4 (MANE Select); coding-DNA position 3388, C replaced by T.
Protein change: p.His1130Tyr; replaces histidine 1130 with tyrosine.
Molecular consequence: missense variant.
Genome position (GRCh38, 1-based): chr7:70,790,604, C>T. VCF-style: chr7-70790604-C-T. GRCh37 (hg19) VCF-style: chr7-70255590-C-T.
Other names: c.3316C>T, p.His1106Tyr (NM_001127231.3); c.3388C>T (NM_015570.2); short protein forms H1130Y, H1106Y.
Identifiers: ClinVar variation 2166886 (VCV002166886.5), dbSNP rs749092558, ClinGen allele CA4281323.

ClinVar aggregate classification (germline): Conflicting classifications of pathogenicity. Review status: criteria provided, conflicting classifications (1 of 4 stars). 2 submissions from 2 submitters: Uncertain significance (1); Likely benign (1). Last evaluated 2023-07-07.

Conditions:
Inborn genetic diseases. Identifiers: MedGen C0950123, MeSH D030342.

Allele frequency attached by ClinVar (database versions not stated): TOPMed 0.00002; gnomAD 0.00003; ExAC 0.00007; gnomAD exomes 0.00009.
gnomAD v4.1: 132 of 1,606,770 alleles (0.0082%); highest among the groups gnomAD compares: Non-Finnish European, 0.011%; no homozygotes.

Submissions (2):

Labcorp Genetics (formerly Invitae), Labcorp
Classification: Uncertain significance. Last evaluated: 2023-07-07. Review status: criteria provided, single submitter. Criteria: Invitae Variant Classification Sherloc (09022015). Collection method: clinical testing. Allele origin: germline.
Comment: This sequence change replaces histidine, which is basic and polar, with tyrosine, which is neutral and polar, at codon 1130 of the AUTS2 protein (p.His1130Tyr). The frequency data for this variant in the population databases is considered unreliable, as metrics indicate poor data quality at this position in the gnomAD database. This variant has not been reported in the literature in individuals affected with AUTS2-related conditions. ClinVar contains an entry for this variant (Variation ID: 2166886). An algorithm developed to predict the effect of missense changes on protein structure and function (PolyPhen-2) suggests that this variant is likely to be disruptive. In summary, the available evidence is currently insufficient to determine the role of this variant in disease. Therefore, it has been classified as a Variant of Uncertain Significance.

Ambry Genetics
Classification: Likely benign for Inborn genetic diseases. Last evaluated: 2022-12-06. Review status: criteria provided, single submitter. Criteria: Ambry Variant Classification Scheme 2023. Collection method: clinical testing. Allele origin: germline.